The following is an entry in ClinVar:

ClinVar aggregate classification (germline): Uncertain significance. Review status: criteria provided, multiple submitters, no conflicts (2 of 4 stars). 2 submissions from 2 submitters: Uncertain significance (2). Last evaluated 2024-03-27.

Conditions:
Familial melanoma. Also called: Hereditary melanoma; Hereditary cutaneous melanoma. Identifiers: Orphanet 618, MedGen C1512419, MONDO:0018961.
Hereditary cancer-predisposing syndrome. Also called: Tumor predisposition; Neoplastic Syndromes, Hereditary; Hereditary Cancer Syndrome; Hereditary neoplastic syndrome. Identifiers: Orphanet 140162, MedGen C0027672, MeSH D009386, MONDO:0015356.

Submissions (2):

Ambry Genetics
Classification: Uncertain significance for Hereditary cancer-predisposing syndrome. Last evaluated: 2024-03-27. Review status: criteria provided, single submitter. Criteria: Ambry Variant Classification Scheme 2023. Collection method: clinical testing. Allele origin: germline.
Comment: The p.A42S variant (also known as c.124G>T), located in coding exon 1 of the CDKN2A gene, results from a G to T substitution at nucleotide position 124. The alanine at codon 42 is replaced by serine, an amino acid with similar properties. This amino acid position is not well conserved in available vertebrate species. In addition, this alteration is predicted to be tolerated by in silico analysis. Based on the available evidence, the clinical significance of this alteration remains unclear.

Labcorp Genetics (formerly Invitae), Labcorp
Classification: Uncertain significance for Familial melanoma. Last evaluated: 2021-10-07. Review status: criteria provided, single submitter. Criteria: Invitae Variant Classification Sherloc (09022015). Collection method: clinical testing. Allele origin: germline.
Comment: This sequence change replaces alanine with serine at codon 42 of the CDKN2A (p14ARF) protein (p.Ala42Ser). The alanine residue is moderately conserved and there is a moderate physicochemical difference between alanine and serine. This variant is not present in population databases (ExAC no frequency). This variant has not been reported in the literature in individuals affected with CDKN2A (p14ARF)-related conditions. ClinVar contains an entry for this variant (Variation ID: 818696). Algorithms developed to predict the effect of missense changes on protein structure and function are either unavailable or do not agree on the potential impact of this missense change (SIFT: "Tolerated"; PolyPhen-2: "Probably Damaging"; Align-GVGD: "Class C0"). In summary, the available evidence is currently insufficient to determine the role of this variant in disease. Therefore, it has been classified as a Variant of Uncertain Significance.

NM_058195.4(CDKN2A):c.124G>T (p.Ala42Ser)

Gene: CDKN2A (cyclin dependent kinase inhibitor 2A; minus strand). Cytogenetic location: 9p21.3.
Variant type: single nucleotide variant.
Coding change: c.124G>T on transcript NM_058195.4 (MANE Plus Clinical); coding-DNA position 124, G replaced by T.
Protein change: p.Ala42Ser; replaces alanine 42 with serine.
Molecular consequence: missense variant. On other transcripts: intron variant (1).
Genome position (GRCh38, 1-based): chr9:21,994,208, C>A on the plus strand (G>T on the coding strand, the complement: CDKN2A is on the minus strand). VCF-style: chr9-21994208-C-A. GRCh37 (hg19) VCF-style: chr9-21994207-C-A.
Other names: c.-4+613G>T (NM_001363763.2); short protein forms A42S.
Identifiers: ClinVar variation 818696 (VCV000818696.7), dbSNP rs905621048, ClinGen allele CA373086899.